The following is an entry in ClinVar:

NM_024854.5(PYROXD1):c.1194dup (p.Ile399fs)

Gene: PYROXD1 (pyridine nucleotide-disulphide oxidoreductase domain 1; plus strand). Cytogenetic location: 12p12.1.
Variant type: Duplication.
Coding change: c.1194dup on transcript NM_024854.5 (MANE Select); coding-DNA position 1194, one base duplicated (T; older notation c.1194dupT).
Protein change: p.Ile399fs; shifts the reading frame from isoleucine 399.
Molecular consequence: frameshift variant.
Genome position (GRCh38, 1-based): chr12:21,467,558, T duplicated. VCF-style (leftmost placement, unchanged base first): chr12-21467557-C-CT. GRCh37 (hg19) VCF-style: chr12-21620491-C-CT.
Other names: c.981dup, p.Ile328fs (NM_001350912.2); c.417dup, p.Ile140fs (NM_001350913.2); short protein forms I399fs, I140fs, I328fs.
Identifiers: ClinVar variation 2766974 (VCV002766974.3), dbSNP rs2540289128, ClinGen allele CA2697559129.
Genomic context (GRCh38, chr12:21,467,557, plus strand): 5'-AGGCTAGACAGATGGGATGGTATGCAGCAAAGTGCATGGCTGCAGCGAGTTCAGGAGACT[C>CT]TATTGACATGGATTTCAGCTTTGAACTGTTTGCTCATGTGACAAAATTTTTTAACTATAA-3'

ClinVar aggregate classification (germline): Pathogenic (1 of 4 stars; one submission).

Submission:

Labcorp Genetics (formerly Invitae), Labcorp
Classification: Pathogenic. Last evaluated: 2023-10-08. Review status: criteria provided, single submitter. Criteria: Invitae Variant Classification Sherloc (09022015). Collection method: clinical testing. Allele origin: germline.
Comment: This sequence change creates a premature translational stop signal (p.Ile399Tyrfs*2) in the PYROXD1 gene. It is expected to result in an absent or disrupted protein product. Loss-of-function variants in PYROXD1 are known to be pathogenic (PMID: 27745833). This variant is not present in population databases (gnomAD no frequency). This variant has not been reported in the literature in individuals affected with PYROXD1-related conditions. For these reasons, this variant has been classified as Pathogenic.

Literature cited by the submitters: PubMed 27745833.